The following is an entry in ClinVar:

NM_178172.6(GPIHBP1):c.436G>T (p.Val146Phe)

Gene: GPIHBP1 (glycosylphosphatidylinositol anchored high density lipoprotein binding protein 1; plus strand). Cytogenetic location: 8q24.3.
Variant type: single nucleotide variant.
Coding change: c.436G>T on transcript NM_178172.6 (MANE Select); coding-DNA position 436, G replaced by T.
Protein change: p.Val146Phe; replaces valine 146 with phenylalanine.
Molecular consequence: missense variant. On other transcripts: intron variant (1).
Genome position (GRCh38, 1-based): chr8:143,215,399, G>T. VCF-style: chr8-143215399-G-T. GRCh37 (hg19) VCF-style: chr8-144297274-G-T.
Other names: c.375+61G>T (NM_001301772.2); short protein forms V146F.
Identifiers: ClinVar variation 5022493 (VCV005022493.1).
Genomic context (GRCh38, chr8:143,215,399, plus strand): 5'-GTGACCATGACCTGCTGCCAGTCCAGCCTGTGCAATGTCCCACCCTGGCAAAGCTCCCGA[G>T]TCCAGGACCCAACAGGCAAGGGGGCAGGCGGCCCCCGGGGCAGCTCCGAAACTGTGGGCG-3'
Protein context (NP_835466.2, residues 136-156): CNVPPWQSSR[Val146Phe]QDPTGKGAGG

ClinVar aggregate classification (germline): Uncertain significance (1 of 4 stars; one submission).

Conditions:
Cardiovascular phenotype. Identifiers: MedGen CN230736.

gnomAD v4.1: 4 of 1,612,862 alleles (0.00025%); highest among the groups gnomAD compares: African/African-American, 0.0053%; no homozygotes.

Submission:

Ambry Genetics
Classification: Uncertain significance for Cardiovascular phenotype. Last evaluated: 2026-07-11. Review status: criteria provided, single submitter. Criteria: Ambry Variant Classification Scheme 2023. Collection method: clinical testing. Allele origin: germline.
Comment: The p.V146F variant (also known as c.436G>T), located in coding exon 4 of the GPIHBP1 gene, results from a G to T substitution at nucleotide position 436. The valine at codon 146 is replaced by phenylalanine, an amino acid with highly similar properties. This amino acid position is conserved. In addition, this alteration is predicted to be tolerated by in silico analysis. Based on the available evidence, the clinical significance of this variant remains unclear.